The following is an entry in ClinVar:

ClinVar aggregate classification (germline): Uncertain significance (1 of 4 stars; one submission).

Conditions:
CREBBP-related disorder. Also called: CREBBP-related condition; CREBBP-related disorders.

Submission:

PreventionGenetics, part of Exact Sciences
Classification: Uncertain significance for CREBBP-related condition. Last evaluated: 2023-08-22. Review status: criteria provided, single submitter. Criteria: ACMG Guidelines, 2015. Collection method: clinical testing. Allele origin: germline.
Comment: The CREBBP c.6403C>A variant is predicted to result in the amino acid substitution p.Gln2135Lys. To our knowledge, this variant has not been reported in the literature or in a large population database, indicating this variant is rare. At this time, the clinical significance of this variant is uncertain due to the absence of conclusive functional and genetic evidence.

NM_004380.3(CREBBP):c.6403C>A (p.Gln2135Lys)

Gene: CREBBP (CREB binding lysine acetyltransferase; minus strand). Cytogenetic location: 16p13.3.
Variant type: single nucleotide variant.
Coding change: c.6403C>A on transcript NM_004380.3 (MANE Select); coding-DNA position 6403, C replaced by A.
Protein change: p.Gln2135Lys; replaces glutamine 2135 with lysine.
Molecular consequence: missense variant.
Genome position (GRCh38, 1-based): chr16:3,728,644, G>T on the plus strand (C>A on the coding strand, the complement: CREBBP is on the minus strand). VCF-style: chr16-3728644-G-T. GRCh37 (hg19) VCF-style: chr16-3778645-G-T.
Other names: c.6289C>A, p.Gln2097Lys (NM_001079846.1); short protein forms Q2097K, Q2135K.
Identifiers: ClinVar variation 2631060 (VCV002631060.1), dbSNP rs2151304199, ClinGen allele CA394553468.